The following is an entry in ClinVar:

NM_000342.4(SLC4A1):c.233C>T (p.Ala78Val)

Gene: SLC4A1 (solute carrier family 4 member 1 (Diego blood group); minus strand). Cytogenetic location: 17q21.31.
Variant type: single nucleotide variant.
Coding change: c.233C>T on transcript NM_000342.4 (MANE Select); coding-DNA position 233, C replaced by T.
Protein change: p.Ala78Val; replaces alanine 78 with valine.
Molecular consequence: missense variant.
Genome position (GRCh38, 1-based): chr17:44,260,751, G>A on the plus strand (C>T on the coding strand, the complement: SLC4A1 is on the minus strand). VCF-style: chr17-44260751-G-A. GRCh37 (hg19) VCF-style: chr17-42338119-G-A.
Other names: short protein forms A78V.
Identifiers: ClinVar variation 1162822 (VCV001162822.8), dbSNP rs186542577, ClinGen allele CA8600662.
Genomic context (GRCh38, chr17:44,260,751, plus strand): 5'-TGCGGGCGGCCCCAGGCCCCATTCTCCCCCAGGTTCTCCTCCAGTTGCACCCAGCGCGCC[G>A]CCTCCATCCATCTCAGCTCCTGGTTCTTTTCGTCCATCACCAGCTCCTGCAGCTCCACAT-3'
Protein context (NP_000333.1, residues 68-88): EKNQELRWME[Ala78Val]ARWVQLEENL

ClinVar aggregate classification (germline): Uncertain significance. Review status: criteria provided, multiple submitters, no conflicts (2 of 4 stars). 3 submissions from 3 submitters: Uncertain significance (2). 1 of the submissions does not count toward it. Last evaluated 2023-08-23.

Conditions:
SLC4A1-related disorder. Also called: SLC4A1-related condition; SLC4A1-related disorders.

Allele frequency attached by ClinVar (database versions not stated): ExAC 0.00002; ESP Exome Variant Server 0.00008; 1000 Genomes Project 30x 0.00016; 1000 Genomes Project 0.00020; gnomAD exomes 0.00001; TOPMed 0.00003; gnomAD 0.00004 and 0.00005.
gnomAD v4.1: 25 of 1,613,976 alleles (0.0015%); highest among the groups gnomAD compares: African/African-American, 0.008%; no homozygotes.

Submissions (3):

Revvity Omics, Revvity
Classification: Uncertain significance. Last evaluated: 2023-08-23. Review status: criteria provided, single submitter. Criteria: ACMG Guidelines, 2015. Collection method: clinical testing. Allele origin: germline.

Mayo Clinic Laboratories, Mayo Clinic
Classification: Uncertain significance. Last evaluated: 2019-09-26. Review status: criteria provided, single submitter. Criteria: ACMG Guidelines, 2015. Collection method: clinical testing. Allele origin: germline. Observed: 1 variant allele.

PreventionGenetics, part of Exact Sciences
Classification: Uncertain significance for SLC4A1-related condition. Last evaluated: 2024-01-30. Review status: no assertion criteria provided. Collection method: clinical testing. Allele origin: germline. Not counted in ClinVar's aggregate classification.
Comment: The SLC4A1 c.233C>T variant is predicted to result in the amino acid substitution p.Ala78Val. To our knowledge, this variant has not been reported in the literature. This variant is reported in 0.0065% of alleles in individuals of South Asian descent in gnomAD. At this time, the clinical significance of this variant is uncertain due to the absence of conclusive functional and genetic evidence.